The following is an entry in ClinVar:

NM_000541.5(SAG):c.637C>G (p.Leu213Val)

Gene: SAG (S-antigen visual arrestin; plus strand). Cytogenetic location: 2q37.1.
Variant type: single nucleotide variant.
Coding change: c.637C>G on transcript NM_000541.5 (MANE Select); coding-DNA position 637, C replaced by G.
Protein change: p.Leu213Val; replaces leucine 213 with valine.
Molecular consequence: missense variant.
Genome position (GRCh38, 1-based): chr2:233,328,602, C>G. VCF-style: chr2-233328602-C-G. GRCh37 (hg19) VCF-style: chr2-234237248-C-G.
Other names: c.637C>G (NM_000541.4); short protein forms L213V.
Identifiers: ClinVar variation 1933664 (VCV001933664.5), dbSNP rs1189373881, ClinGen allele CA351047732.

ClinVar aggregate classification (germline): Uncertain significance. Review status: criteria provided, multiple submitters, no conflicts (2 of 4 stars). 2 submissions from 2 submitters: Uncertain significance (2). Last evaluated 2025-01-23.

Conditions:
Inborn genetic diseases. Identifiers: MedGen C0950123, MeSH D030342.

Allele frequency attached by ClinVar (database versions not stated): TOPMed below 0.00001; gnomAD 0.00001.
gnomAD v4.1: 2 of 1,611,680 alleles (0.00012%); highest among the groups gnomAD compares: Admixed American, 0.0033%; no homozygotes.

Submissions (2):

Ambry Genetics
Classification: Uncertain significance for Inborn genetic diseases. Last evaluated: 2025-01-23. Review status: criteria provided, single submitter. Criteria: Ambry Variant Classification Scheme 2023. Collection method: clinical testing. Allele origin: germline.

Labcorp Genetics (formerly Invitae), Labcorp
Classification: Uncertain significance. Last evaluated: 2022-05-18. Review status: criteria provided, single submitter. Criteria: Invitae Variant Classification Sherloc (09022015). Collection method: clinical testing. Allele origin: germline.
Comment: In summary, the available evidence is currently insufficient to determine the role of this variant in disease. Therefore, it has been classified as a Variant of Uncertain Significance. Algorithms developed to predict the effect of missense changes on protein structure and function are either unavailable or do not agree on the potential impact of this missense change (SIFT: "Deleterious"; PolyPhen-2: "Probably Damaging"; Align-GVGD: "Class C0"). This variant has not been reported in the literature in individuals affected with SAG-related conditions. This variant is not present in population databases (gnomAD no frequency). This sequence change replaces leucine, which is neutral and non-polar, with valine, which is neutral and non-polar, at codon 213 of the SAG protein (p.Leu213Val).